The following is an entry in ClinVar:

NM_198253.3(TERT):c.89_98del (p.Arg30fs)

Genes: TERT (telomerase reverse transcriptase; minus strand), LOC110806263 (TERT 5' regulatory region; plus strand). Cytogenetic location: 5p15.33.
Variant type: Deletion.
Coding change: c.89_98del on transcript NM_198253.3 (MANE Select); coding-DNA positions 89 to 98, 10 bases deleted (GCCTGGGGCC; older notation c.89_98delGCCTGGGGCC).
Protein change: p.Arg30fs; shifts the reading frame from arginine 30.
Molecular consequence: frameshift variant. On other transcripts: non-coding transcript variant (2).
Genome position (GRCh38, 1-based): chr5:1,294,892-1,294,901, GGCCCCAGGC deleted on the plus strand (GCCTGGGGCC on the coding strand, the reverse complement: TERT is on the minus strand); deleting any 10 consecutive bases within chr5:1,294,892-1,294,902 gives the same sequence; the c. name uses the placement nearest the transcript's 3' end. VCF-style (leftmost placement, unchanged base first): chr5-1294891-GGGCCCCAGGC-G. GRCh37 (hg19) VCF-style: chr5-1295006-GGGCCCCAGGC-G.
Other names: c.89_98del, p.Arg30fs (NM_001193376.3); c.88_97delCGCCTGGGGC, p.Arg30Profs (NM_003219.1); short protein forms R30fs.
Identifiers: ClinVar variation 2943139 (VCV002943139.3), dbSNP rs2478434872, ClinGen allele CA2740091666.

ClinVar aggregate classification (germline): Pathogenic (1 of 4 stars; one submission).

Conditions:
Idiopathic Pulmonary Fibrosis. Also called: Idiopathic fibrosing alveolitis, chronic form; idiopathic fibrosing alveolitis. Identifiers: Orphanet 2032, MedGen C1800706, MeSH D054990, MONDO:0800504.
Dyskeratosis congenita, autosomal dominant 2. Identifiers: MedGen C3151443, MONDO:0013521, OMIM 613989.

Submission:

Labcorp Genetics (formerly Invitae), Labcorp
Classification: Pathogenic for Dyskeratosis congenita, autosomal dominant 2; Idiopathic Pulmonary Fibrosis. Last evaluated: 2023-01-13. Review status: criteria provided, single submitter. Criteria: Invitae Variant Classification Sherloc (09022015). Collection method: clinical testing. Allele origin: germline.
Comment: This sequence change creates a premature translational stop signal (p.Arg30Profs*45) in the TERT gene. It is expected to result in an absent or disrupted protein product. Loss-of-function variants in TERT are known to be pathogenic (PMID: 16247010, 17460043). For these reasons, this variant has been classified as Pathogenic. This variant has not been reported in the literature in individuals affected with TERT-related conditions. This variant is not present in population databases (gnomAD no frequency).

Literature cited by the submitters: PubMed 16247010; PubMed 17460043.